The following is an entry in ClinVar:

NM_058216.3(RAD51C):c.486A>T (p.Gly162=)

Gene: RAD51C (RAD51 paralog C; plus strand). Cytogenetic location: 17q22.
Variant type: single nucleotide variant.
Coding change: c.486A>T on transcript NM_058216.3 (MANE Select); coding-DNA position 486, A replaced by T.
Protein change: p.Gly162=; no amino-acid change (glycine 162 retained).
Molecular consequence: synonymous variant.
Genome position (GRCh38, 1-based): chr17:58,696,774, A>T. VCF-style: chr17-58696774-A-T. GRCh37 (hg19) VCF-style: chr17-56774135-A-T.
Identifiers: ClinVar variation 3904416 (VCV003904416.1).
Genomic context (GRCh38, chr17:58,696,774, plus strand): 5'-GCAGATACCAGAATGTTTTGGAGGAGTGGCAGGTGAAGCAGTTTTTATTGATACAGAGGG[A>T]AGTTTTATGGTTGATAGAGTGGTAGACCTTGCTACTGCCTGCATTCAGCACCTTCAGCTT-3'
Protein context (NP_478123.1, residues 152-172): AGEAVFIDTE[Gly162=]SFMVDRVVDL

ClinVar aggregate classification (germline): Benign (1 of 4 stars; one submission).

Conditions:
Breast-ovarian cancer, familial, susceptibility to, 3. Also called: RAD51C-Related Breast/Ovarian Cancer. Identifiers: Orphanet 145, MedGen C3150659, MONDO:0013253, OMIM 613399.

Submission:

Myriad Genetics, Inc.
Classification: Benign for Breast-ovarian cancer, familial, susceptibility to, 3. Last evaluated: 2025-02-18. Review status: criteria provided, single submitter. Criteria: Myriad Autosomal Dominant, Autosomal Recessive and X-Linked Classification Criteria (2023). Collection method: clinical testing. Allele origin: unknown.
Comment: This variant is considered benign. This variant is a silent/synonymous amino acid change and it is not expected to impact splicing.